The following is an entry in ClinVar:

NM_000443.4(ABCB4):c.2792_2793insA (p.Gln932fs)

Gene: ABCB4 (ATP binding cassette subfamily B member 4; minus strand). Cytogenetic location: 7q21.12.
Variant type: Insertion.
Coding change: c.2792_2793insA on transcript NM_000443.4 (MANE Select); coding-DNA positions 2792 to 2793, A inserted.
Protein change: p.Gln932fs; shifts the reading frame from glutamine 932.
Molecular consequence: frameshift variant. On other transcripts: intron variant (1).
Genome position: GRCh38 VCF-style: chr7-87412024-C-CT. GRCh37 (hg19) VCF-style: chr7-87041340-C-CT.
Other names: c.2792_2793insA, p.Gln932fs (NM_018849.3); c.2783+1592_2783+1593insA (NM_018850.3); short protein forms Q932fs.
Identifiers: ClinVar variation 4846594 (VCV004846594.1).

ClinVar aggregate classification (germline): Likely pathogenic (1 of 4 stars; one submission).

Conditions:
Familial intrahepatic cholestasis. Identifiers: Orphanet 284385, MedGen CN296401, MONDO:0017290.
Low phospholipid associated cholelithiasis (GBD1). Also called: Gallbladder disease 1; Gallstone cholecystitis. Identifiers: Orphanet 69663, MedGen C2609268, MONDO:0010939, OMIM 600803.

Submission:

Genomenon, Inc
Classification: Likely pathogenic for Familial intrahepatic cholestasis; Low phospholipid associated cholelithiasis. Last evaluated: 2026-04-14. Review status: criteria provided, single submitter. Criteria: Genomenon Sequence Variant Interpretation Standards - Updated. Collection method: curation. Allele origin: germline. Affected: no.
Comment: ABCB4 p.Gln932AlafsTer11 (c.2792_2793insA) is a frameshift variant that results in the production of a truncated protein which is predicted to undergo nonsense-mediated mRNA decay. This variant has been reported in the published literature (PMID:35150476). It is absent or not present at a significant frequency in gnomAD. In conclusion, we classify ABCB4 p.Gln932AlafsTer11 (c.2792_2793insA) as a likely pathogenic variant.

Literature cited by the submitters: PubMed 35150476.